The following is an entry in ClinVar:

NM_016553.5(NUP62):c.1098C>G (p.Ile366Met)

Genes: IL4I1 (interleukin 4 induced 1; minus strand), NUP62 (nucleoporin 62; minus strand). Cytogenetic location: 19q13.33.
Variant type: single nucleotide variant.
Coding change: c.1098C>G on transcript NM_016553.5 (MANE Select); coding-DNA position 1098, C replaced by G.
Protein change: p.Ile366Met; replaces isoleucine 366 with methionine.
Molecular consequence: missense variant. On other transcripts: intron variant (3).
Genome position (GRCh38, 1-based): chr19:49,908,710, G>C on the plus strand (C>G on the coding strand, the complement: NUP62 is on the minus strand). VCF-style: chr19-49908710-G-C. GRCh37 (hg19) VCF-style: chr19-50411967-G-C.
Other names: c.-227-4389C>G (NM_001258017.2, NM_172374.3); c.-285-4389C>G (NM_001258018.2); c.1098C>G, p.Ile366Met (NM_001193357.2, NM_012346.5, NM_153718.4 and 1 more transcripts); short protein forms I366M.
Identifiers: ClinVar variation 1378602 (VCV001378602.6), dbSNP rs564436380, ClinGen allele CA9588955.

ClinVar aggregate classification (germline): Uncertain significance. Review status: criteria provided, multiple submitters, no conflicts (2 of 4 stars). 2 submissions from 2 submitters: Uncertain significance (2). Last evaluated 2025-10-23.

gnomAD v4.1: 69 of 1,612,516 alleles (0.0043%); highest among the groups gnomAD compares: Admixed American, 0.018%; no homozygotes.

Submissions (2):

Labcorp Genetics (formerly Invitae), Labcorp
Classification: Uncertain significance. Last evaluated: 2025-10-23. Review status: criteria provided, single submitter. Criteria: Invitae Variant Classification Sherloc (09022015). Collection method: clinical testing. Allele origin: germline.
Comment: This sequence change replaces isoleucine, which is neutral and non-polar, with methionine, which is neutral and non-polar, at codon 366 of the NUP62 protein (p.Ile366Met). This variant is present in population databases (rs564436380, gnomAD 0.02%). This variant has not been reported in the literature in individuals affected with NUP62-related conditions. ClinVar contains an entry for this variant (Variation ID: 1378602). An algorithm developed to predict the effect of missense changes on protein structure and function (PolyPhen-2) suggests that this variant is likely to be tolerated. In summary, the available evidence is currently insufficient to determine the role of this variant in disease. Therefore, it has been classified as a Variant of Uncertain Significance.

Ambry Genetics
Classification: Uncertain significance. Last evaluated: 2024-08-06. Review status: criteria provided, single submitter. Criteria: Ambry Variant Classification Scheme 2023. Collection method: clinical testing. Allele origin: germline.